The following is an entry in ClinVar:

ClinVar aggregate classification (germline): Uncertain significance (1 of 4 stars; one submission).

Conditions:
MEGF10-related myopathy (CMYO10A). Also called: Congenital myopathy 10A, severe variant. Identifiers: Orphanet 439212, MedGen C3280679, MONDO:0013731, OMIM 614399.

gnomAD v4.1: 6 of 1,614,148 alleles (0.00037%); highest among the groups gnomAD compares: Non-Finnish European, 0.00051%; no homozygotes.

Submission:

Labcorp Genetics (formerly Invitae), Labcorp
Classification: Uncertain significance for MEGF10-related myopathy. Last evaluated: 2018-02-07. Review status: criteria provided, single submitter. Criteria: Invitae Variant Classification Sherloc (09022015). Collection method: clinical testing. Allele origin: germline.
Comment: This sequence change replaces alanine with proline at codon 338 of the MEGF10 protein (p.Ala338Pro). The alanine residue is moderately conserved and there is a small physicochemical difference between alanine and proline. This variant is not present in population databases (ExAC no frequency). This variant has not been reported in the literature in individuals with MEGF10-related disease. In summary, the available evidence is currently insufficient to determine the role of this variant in disease. Therefore, it has been classified as a Variant of Uncertain Significance. Algorithms developed to predict the effect of missense changes on protein structure and function do not agree on the potential impact of this missense change (SIFT: "Deleterious"; PolyPhen-2: "Benign"; Align-GVGD: "Class C0").

NM_001256545.2(MEGF10):c.1012G>C (p.Ala338Pro)

Gene: MEGF10 (multiple EGF like domains 10; plus strand). Cytogenetic location: 5q23.2.
Variant type: single nucleotide variant.
Coding change: c.1012G>C on transcript NM_001256545.2 (MANE Select); coding-DNA position 1012, G replaced by C.
Protein change: p.Ala338Pro; replaces alanine 338 with proline.
Molecular consequence: missense variant.
Genome position (GRCh38, 1-based): chr5:127,410,483, G>C. VCF-style: chr5-127410483-G-C. GRCh37 (hg19) VCF-style: chr5-126746175-G-C.
Other names: c.1012G>C, p.Ala338Pro (NM_001308119.2, NM_001308121.2, NM_032446.3); short protein forms A338P.
Identifiers: ClinVar variation 571155 (VCV000571155.9), dbSNP rs568794084, ClinGen allele CA360726273.
Genomic context (GRCh38, chr5:127,410,483, plus strand): 5'-GTTCTCTGTGCTGAGACCTGCCAGTGTGTCAACGGAGGGAAGTGTTACCACGTGAGCGGC[G>C]CATGCCTCTGTGAAGCAGGCTTTGCTGGCGAGCGCTGCGAAGCACGCCTGTGTCCTGAGG-3'
Protein context (NP_001243474.1, residues 328-348): NGGKCYHVSG[Ala338Pro]CLCEAGFAGE